The following is an entry in ClinVar:

NM_001393986.1(PRDM2):c.4733C>T (p.Pro1578Leu)

Gene: PRDM2 (PR/SET domain 2; plus strand). Cytogenetic location: 1p36.21.
Variant type: single nucleotide variant.
Coding change: c.4733C>T on transcript NM_001393986.1 (MANE Select); coding-DNA position 4733, C replaced by T.
Protein change: p.Pro1578Leu; replaces proline 1578 with leucine.
Molecular consequence: missense variant. On other transcripts: intron variant (1).
Genome position (GRCh38, 1-based): chr1:13,782,528, C>T. VCF-style: chr1-13782528-C-T. GRCh37 (hg19) VCF-style: chr1-14109023-C-T.
Other names: c.4130C>T, p.Pro1377Leu (NM_001007257.3, NM_001393987.1, NM_001393988.1); c.4733C>T, p.Pro1578Leu (NM_012231.5, NM_015866.6); c.511+33041C>T (NM_001135610.2); short protein forms P1377L, P1578L.
Identifiers: ClinVar variation 5038508 (VCV005038508.1).
Genomic context (GRCh38, chr1:13,782,528, plus strand): 5'-AGTTTGCAGCTTCGGTGAAATCCAAAAAACCAAGCTCCTCCTCTTTAAGGAACTCCAGCC[C>T]GATAAGAATGGCCAAAATAACTCATGTTGAGGGGAAAAAACCTAAAGCTGTGGCCAAGAA-3'
Protein context (NP_001380915.1, residues 1568-1588): PSSSSLRNSS[Pro1578Leu]IRMAKITHVE

ClinVar aggregate classification (germline): Likely benign (1 of 4 stars; one submission).

gnomAD v4.1: 2,736 of 1,614,028 alleles (0.17%); highest among the groups gnomAD compares: Admixed American, 0.79%; 14 homozygotes.

Submission:

CeGaT Center for Human Genetics Tuebingen
Classification: Likely benign. Last evaluated: 2026-07-01. Review status: criteria provided, single submitter. Criteria: CeGaT Center For Human Genetics Tuebingen Variant Classification Criteria Version 2. Collection method: clinical testing. Allele origin: germline. Affected: yes. Observed: 1 variant allele.
Comment: PRDM2: BS2